The following is an entry in ClinVar:

NM_012092.4(ICOS):c.578G>A (p.Arg193Lys)

Gene: ICOS (inducible T cell costimulator; plus strand). Cytogenetic location: 2q33.2.
Variant type: single nucleotide variant.
Coding change: c.578G>A on transcript NM_012092.4 (MANE Select); coding-DNA position 578, G replaced by A.
Protein change: p.Arg193Lys; replaces arginine 193 with lysine.
Molecular consequence: missense variant.
Genome position (GRCh38, 1-based): chr2:203,957,875, G>A. VCF-style: chr2-203957875-G-A. GRCh37 (hg19) VCF-style: chr2-204822598-G-A.
Other names: short protein forms R193K.
Identifiers: ClinVar variation 2180699 (VCV002180699.1), dbSNP rs948265313, ClinGen allele CA63852803.

ClinVar aggregate classification (germline): Uncertain significance (1 of 4 stars; one submission).

Conditions:
Immunodeficiency, common variable, 1. Also called: ANTIBODY DEFICIENCY DUE TO ICOS DEFECT. Identifiers: Orphanet 1572, Orphanet 695183, MedGen C3149378, MONDO:0011864, OMIM 607594.

Allele frequency attached by ClinVar (database versions not stated): gnomAD 0.00001; TOPMed 0.00001; gnomAD exomes below 0.00001.
gnomAD v4.1: 2 of 1,604,180 alleles (0.00012%); highest among the groups gnomAD compares: Admixed American, 0.0017%; no homozygotes.

Submission:

Labcorp Genetics (formerly Invitae), Labcorp
Classification: Uncertain significance for Immunodeficiency, common variable, 1. Last evaluated: 2022-10-05. Review status: criteria provided, single submitter. Criteria: Invitae Variant Classification Sherloc (09022015). Collection method: clinical testing. Allele origin: germline.
Comment: This sequence change replaces arginine, which is basic and polar, with lysine, which is basic and polar, at codon 193 of the ICOS protein (p.Arg193Lys). This variant is not present in population databases (gnomAD no frequency). This variant has not been reported in the literature in individuals affected with ICOS-related conditions. Algorithms developed to predict the effect of missense changes on protein structure and function output the following: SIFT: "Tolerated"; PolyPhen-2: "Benign"; Align-GVGD: "Class C0". The lysine amino acid residue is found in multiple mammalian species, which suggests that this missense change does not adversely affect protein function. In summary, the available evidence is currently insufficient to determine the role of this variant in disease. Therefore, it has been classified as a Variant of Uncertain Significance.